The following is an entry in ClinVar:

NM_198578.4(LRRK2):c.4324G>A (p.Ala1442Thr)

Gene: LRRK2 (leucine rich repeat kinase 2; plus strand). Cytogenetic location: 12q12.
Variant type: single nucleotide variant.
Coding change: c.4324G>A on transcript NM_198578.4 (MANE Select); coding-DNA position 4324, G replaced by A.
Protein change: p.Ala1442Thr; replaces alanine 1442 with threonine.
Molecular consequence: missense variant.
Genome position (GRCh38, 1-based): chr12:40,310,437, G>A. VCF-style: chr12-40310437-G-A. GRCh37 (hg19) VCF-style: chr12-40704239-G-A.
Other names: short protein forms A1442T.
Identifiers: ClinVar variation 3368287 (VCV003368287.2).

ClinVar aggregate classification (germline): Uncertain significance (1 of 4 stars; one submission).

gnomAD v4.1: 5 of 1,612,942 alleles (0.00031%); highest among the groups gnomAD compares: Non-Finnish European, 0.00042%; no homozygotes.

Submission:

GeneDx
Classification: Uncertain significance. Last evaluated: 2026-08-07. Review status: criteria provided, single submitter. Criteria: GeneDx Variant Classification Process June 2021. Collection method: clinical testing. Allele origin: germline.
Comment: Not observed at significant frequency in large population cohorts (gnomAD); In silico analysis supports that this missense variant has a deleterious effect on protein structure/function; Has not been previously published as pathogenic or benign to our knowledge